The following is an entry in ClinVar:

ClinVar aggregate classification (germline): Uncertain significance (1 of 4 stars; one submission).

Submission:

Labcorp Genetics (formerly Invitae), Labcorp
Classification: Uncertain significance. Last evaluated: 2023-09-17. Review status: criteria provided, single submitter. Criteria: Invitae Variant Classification Sherloc (09022015). Collection method: clinical testing. Allele origin: germline.
Comment: In summary, the available evidence is currently insufficient to determine the role of this variant in disease. Therefore, it has been classified as a Variant of Uncertain Significance. Algorithms developed to predict the effect of sequence changes on RNA splicing suggest that this variant may disrupt the consensus splice site. This variant has not been reported in the literature in individuals affected with NAF1-related conditions. This variant is not present in population databases (gnomAD no frequency). This sequence change affects an acceptor splice site in intron 4 of the NAF1 gene. It is expected to disrupt RNA splicing. Variants that disrupt the donor or acceptor splice site typically lead to a loss of protein function (PMID: 16199547), however the current clinical and genetic evidence is not sufficient to establish whether loss-of-function variants in NAF1 cause disease.

Literature cited by the submitters: PubMed 16199547.

NM_138386.3(NAF1):c.718-2A>G

Gene: NAF1 (nuclear assembly factor 1 ribonucleoprotein; minus strand). Cytogenetic location: 4q32.2.
Variant type: single nucleotide variant.
Coding change: c.718-2A>G on transcript NM_138386.3 (MANE Select); the canonical splice acceptor site of the intron before coding-DNA position 718, A replaced by G.
Molecular consequence: splice acceptor variant.
Genome position (GRCh38, 1-based): chr4:163,140,385, T>C on the plus strand (A>G on the coding strand, the complement: NAF1 is on the minus strand). VCF-style: chr4-163140385-T-C. GRCh37 (hg19) VCF-style: chr4-164061537-T-C.
Other names: c.718-2A>G (NM_001128931.2).
Identifiers: ClinVar variation 2761050 (VCV002761050.3), dbSNP rs2477210765, ClinGen allele CA358664264.
Genomic context (GRCh38, chr4:163,140,385, plus strand): 5'-GAAGAATTAAACCGTAACACATAAAATGGATGTGCAACAGGTCCAAATATCTCGAATATC[T>C]GTAATAGAAACATAAAGGCCTCTTTTAACATGTAAAATAACTATTTGAAAAGTCAGCAGT-3'